The following is an entry in ClinVar:

NM_138694.4(PKHD1):c.5156A>G (p.Tyr1719Cys)

Genes: PKHD1 (PKHD1 ciliary IPT domain containing fibrocystin/polyductin; minus strand), LOC126859690 (MED14-independent group 3 enhancer GRCh37_chr6:51888848-51890047; plus strand). Cytogenetic location: 6p12.2.
Variant type: single nucleotide variant.
Coding change: c.5156A>G on transcript NM_138694.4 (MANE Select); coding-DNA position 5156, A replaced by G.
Protein change: p.Tyr1719Cys; replaces tyrosine 1719 with cysteine.
Molecular consequence: missense variant.
Genome position (GRCh38, 1-based): chr6:52,024,654, T>C on the plus strand (A>G on the coding strand, the complement: PKHD1 is on the minus strand). VCF-style: chr6-52024654-T-C. GRCh37 (hg19) VCF-style: chr6-51889452-T-C.
Other names: c.5156A>G, p.Tyr1719Cys (NM_170724.3); short protein forms Y1719C.
Identifiers: ClinVar variation 2136501 (VCV002136501.3), dbSNP rs367589321, ClinGen allele CA3852599.

ClinVar aggregate classification (germline): Uncertain significance (1 of 4 stars; one submission).

Conditions:
Autosomal recessive polycystic kidney disease (ARPKD). Also called: AR polycystic kidney disease. Identifiers: Orphanet 731, Orphanet 8378, MedGen C0085548, MeSH D017044, MONDO:0009889.

Allele frequency attached by ClinVar (database versions not stated): gnomAD 0.00003; TOPMed 0.00003; gnomAD exomes 0.00002; ExAC 0.00006; ESP Exome Variant Server 0.00015.
gnomAD v4.1: 28 of 1,614,034 alleles (0.0017%); highest among the groups gnomAD compares: East Asian, 0.0022%; no homozygotes.

Submission:

Labcorp Genetics (formerly Invitae), Labcorp
Classification: Uncertain significance for Autosomal recessive polycystic kidney disease. Last evaluated: 2024-10-15. Review status: criteria provided, single submitter. Criteria: Invitae Variant Classification Sherloc (09022015). Collection method: clinical testing. Allele origin: germline.
Comment: This sequence change replaces tyrosine, which is neutral and polar, with cysteine, which is neutral and slightly polar, at codon 1719 of the PKHD1 protein (p.Tyr1719Cys). This variant is present in population databases (rs367589321, gnomAD 0.006%). This variant has not been reported in the literature in individuals affected with PKHD1-related conditions. ClinVar contains an entry for this variant (Variation ID: 2136501). Invitae Evidence Modeling of protein sequence and biophysical properties (such as structural, functional, and spatial information, amino acid conservation, physicochemical variation, residue mobility, and thermodynamic stability) has been performed for this missense variant. However, the output from this modeling did not meet the statistical confidence thresholds required to predict the impact of this variant on PKHD1 protein function. In summary, the available evidence is currently insufficient to determine the role of this variant in disease. Therefore, it has been classified as a Variant of Uncertain Significance.